The following is an entry in ClinVar:

NM_004822.3(NTN1):c.771C>T (p.Phe257=)

Gene: NTN1 (netrin 1; plus strand). Cytogenetic location: 17p13.1.
Variant type: single nucleotide variant.
Coding change: c.771C>T on transcript NM_004822.3 (MANE Select); coding-DNA position 771, C replaced by T.
Protein change: p.Phe257=; no amino-acid change (phenylalanine 257 retained).
Molecular consequence: synonymous variant.
Genome position (GRCh38, 1-based): chr17:9,023,144, C>T. VCF-style: chr17-9023144-C-T. GRCh37 (hg19) VCF-style: chr17-8926461-C-T.
Other names: c.771C>T (NM_004822.2).
Identifiers: ClinVar variation 1175905 (VCV001175905.36), dbSNP rs745820812, ClinGen allele CA8381044.

ClinVar aggregate classification (germline): Likely benign. Review status: criteria provided, single submitter (1 of 4 stars). 2 submissions from 2 submitters: Likely benign (1). 1 of the submissions does not count toward it. Last evaluated 2021-06-01.

Conditions:
NTN1-related disorder. Also called: NTN1-related condition.

Allele frequency attached by ClinVar (database versions not stated): gnomAD 0.00005 and 0.00006; TOPMed 0.00006; gnomAD exomes 0.00010; ExAC 0.00019.
gnomAD v4.1: 145 of 1,564,122 alleles (0.0093%); highest among the groups gnomAD compares: Admixed American, 0.037%; no homozygotes.

Submissions (2):

CeGaT Center for Human Genetics Tuebingen
Classification: Likely benign. Last evaluated: 2021-06-01. Review status: criteria provided, single submitter. Criteria: CeGaT Center For Human Genetics Tuebingen Variant Classification Criteria Version 2. Collection method: clinical testing. Allele origin: germline. Affected: yes. Observed: 1 variant allele.

PreventionGenetics, part of Exact Sciences
Classification: Likely benign for NTN1-related condition. Last evaluated: 2022-07-26. Review status: no assertion criteria provided. Collection method: clinical testing. Allele origin: germline. Not counted in ClinVar's aggregate classification.
Comment: This variant is classified as likely benign based on ACMG/AMP sequence variant interpretation guidelines (Richards et al. 2015 PMID: 25741868, with internal and published modifications).